The following is an entry in ClinVar:

ClinVar aggregate classification (germline): Uncertain significance (1 of 4 stars; one submission).

Conditions:
Inborn genetic diseases. Identifiers: MedGen C0950123, MeSH D030342.

Submission:

Ambry Genetics
Classification: Uncertain significance for Inborn genetic diseases. Last evaluated: 2022-04-19. Review status: criteria provided, single submitter. Criteria: Ambry Variant Classification Scheme 2023. Collection method: clinical testing. Allele origin: germline.
Comment: The p.N633S variant (also known as c.1898A>G), located in coding exon 12 of the CDH2 gene, results from an A to G substitution at nucleotide position 1898. The asparagine at codon 633 is replaced by serine, an amino acid with highly similar properties. This amino acid position is conserved. In addition, this alteration is predicted to be tolerated by in silico analysis. Since supporting evidence is limited at this time, the clinical significance of this alteration remains unclear.

NM_001792.5(CDH2):c.1898A>G (p.Asn633Ser)

Gene: CDH2 (cadherin 2; minus strand). Cytogenetic location: 18q12.1.
Variant type: single nucleotide variant.
Coding change: c.1898A>G on transcript NM_001792.5 (MANE Select); coding-DNA position 1898, A replaced by G.
Protein change: p.Asn633Ser; replaces asparagine 633 with serine.
Molecular consequence: missense variant.
Genome position (GRCh38, 1-based): chr18:27,985,605, T>C on the plus strand (A>G on the coding strand, the complement: CDH2 is on the minus strand). VCF-style: chr18-27985605-T-C. GRCh37 (hg19) VCF-style: chr18-25565569-T-C.
Other names: c.1805A>G, p.Asn602Ser (NM_001308176.2); short protein forms N633S, N602S.
Identifiers: ClinVar variation 1782199 (VCV001782199.3), dbSNP rs2510793099, ClinGen allele CA402107323.